The following is an entry in ClinVar:

NM_015512.5(DNAH1):c.5225C>T (p.Ser1742Phe)

Gene: DNAH1 (dynein axonemal heavy chain 1; plus strand). Cytogenetic location: 3p21.1.
Variant type: single nucleotide variant.
Coding change: c.5225C>T on transcript NM_015512.5 (MANE Select); coding-DNA position 5225, C replaced by T.
Protein change: p.Ser1742Phe; replaces serine 1742 with phenylalanine.
Molecular consequence: missense variant.
Genome position (GRCh38, 1-based): chr3:52,363,125, C>T. VCF-style: chr3-52363125-C-T. GRCh37 (hg19) VCF-style: chr3-52397141-C-T.
Other names: short protein forms S1742F.
Identifiers: ClinVar variation 2200168 (VCV002200168.4), dbSNP rs1041733767, ClinGen allele CA74752357.

ClinVar aggregate classification (germline): Uncertain significance (1 of 4 stars; one submission).

Conditions:
Spermatogenic failure 18. Identifiers: MedGen C4539783, MONDO:0054615, OMIM 617576.
Ciliary dyskinesia, primary, 37 (CILD37). Also called: CILIARY DYSKINESIA, PRIMARY, 37, WITH OR WITHOUT SITUS INVERSUS. Identifiers: MedGen C4539798, MONDO:0033204, OMIM 617577.

gnomAD v4.1: 2 of 1,613,952 alleles (0.00012%); highest among the groups gnomAD compares: South Asian, 0.0011%; no homozygotes.

Submission:

Labcorp Genetics (formerly Invitae), Labcorp
Classification: Uncertain significance for Ciliary dyskinesia, primary, 37; Spermatogenic failure 18. Last evaluated: 2022-04-20. Review status: criteria provided, single submitter. Criteria: Invitae Variant Classification Sherloc (09022015). Collection method: clinical testing. Allele origin: germline.
Comment: In summary, the available evidence is currently insufficient to determine the role of this variant in disease. Therefore, it has been classified as a Variant of Uncertain Significance. Algorithms developed to predict the effect of missense changes on protein structure and function are either unavailable or do not agree on the potential impact of this missense change (SIFT: "Deleterious"; PolyPhen-2: "Probably Damaging"; Align-GVGD: "Class C15"). This variant has not been reported in the literature in individuals affected with DNAH1-related conditions. This variant is not present in population databases (gnomAD no frequency). This sequence change replaces serine, which is neutral and polar, with phenylalanine, which is neutral and non-polar, at codon 1742 of the DNAH1 protein (p.Ser1742Phe).